The following is an entry in ClinVar:

ClinVar aggregate classification (germline): Uncertain significance (1 of 4 stars; one submission).

Submission:

Labcorp Genetics (formerly Invitae), Labcorp
Classification: Uncertain significance. Last evaluated: 2022-03-18. Review status: criteria provided, single submitter. Criteria: Invitae Variant Classification Sherloc (09022015). Collection method: clinical testing. Allele origin: germline.
Comment: This sequence change replaces glutamic acid, which is acidic and polar, with lysine, which is basic and polar, at codon 367 of the USH1C protein (p.Glu367Lys). This variant is not present in population databases (gnomAD no frequency). This variant has not been reported in the literature in individuals affected with USH1C-related conditions. Algorithms developed to predict the effect of missense changes on protein structure and function are either unavailable or do not agree on the potential impact of this missense change (SIFT: "Tolerated"; PolyPhen-2: "Probably Damaging"; Align-GVGD: "Class C0"). In summary, the available evidence is currently insufficient to determine the role of this variant in disease. Therefore, it has been classified as a Variant of Uncertain Significance.

NM_153676.4(USH1C):c.1099G>A (p.Glu367Lys)

Gene: USH1C (USH1 protein network component harmonin; minus strand). Cytogenetic location: 11p15.1.
Variant type: single nucleotide variant.
Coding change: c.1099G>A on transcript NM_153676.4 (MANE Select); coding-DNA position 1099, G replaced by A.
Protein change: p.Glu367Lys; replaces glutamic acid 367 with lysine.
Molecular consequence: missense variant. On other transcripts: non-coding transcript variant (1).
Genome position (GRCh38, 1-based): chr11:17,520,981, C>T on the plus strand (G>A on the coding strand, the complement: USH1C is on the minus strand). VCF-style: chr11-17520981-C-T. GRCh37 (hg19) VCF-style: chr11-17542528-C-T.
Other names: c.1042G>A, p.Glu348Lys (NM_001297764.2); c.1099G>A, p.Glu367Lys (NM_005709.4); short protein forms E348K, E367K.
Identifiers: ClinVar variation 1509016 (VCV001509016.6), dbSNP rs2133868490, ClinGen allele CA379784709.